The following is an entry in ClinVar:

NM_014363.6(SACS):c.8812del (p.Asp2938fs)

Gene: SACS (sacsin molecular chaperone; minus strand). Cytogenetic location: 13q12.12.
Variant type: Deletion.
Coding change: c.8812del on transcript NM_014363.6 (MANE Select); coding-DNA position 8812, one base deleted (G; older notation c.8812delG).
Protein change: p.Asp2938fs; shifts the reading frame from aspartic acid 2938.
Molecular consequence: frameshift variant.
Genome position (GRCh38, 1-based): chr13:23,335,064, C deleted on the plus strand (G on the coding strand, the reverse complement: SACS is on the minus strand). VCF-style (leftmost placement, unchanged base first): chr13-23335063-TC-T. GRCh37 (hg19) VCF-style: chr13-23909202-TC-T.
Other names: c.8371del, p.Asp2791fs (NM_001278055.2); c.8839del, p.Asp2947fs (NM_001437336.1); short protein forms D2791fs, D2938fs, D2947fs.
Identifiers: ClinVar variation 4815718 (VCV004815718.1).
Genomic context (GRCh38, chr13:23,335,063, plus strand): 5'-TTCTTTAAAGTGTCCTTTACAACATGAATAGGGGTGTTCTGTAACACTGATAATGTTGGA[TC>T]AGAACCAGGGAAATACCGTTTTTTTAACTGTATTAGCAATTCAACATATGCAGGAGCTAT-3'

ClinVar aggregate classification (germline): Likely pathogenic (1 of 4 stars; one submission).

Conditions:
Charlevoix-Saguenay spastic ataxia (SACS). Also called: AUTOSOMAL RECESSIVE SPASTIC ATAXIA OF CHARLEVOIX-SAGUENAY; Spastic ataxia of Charlevoix-Saguenay; SPASTIC ATAXIA 6, AUTOSOMAL RECESSIVE. Identifiers: Orphanet 98, MedGen C1849140, MONDO:0010041, OMIM 270550.

Submission:

Natera, Inc.
Classification: Likely pathogenic for Charlevoix-Saguenay type spastic ataxia. Last evaluated: 2025-10-15. Review status: criteria provided, single submitter. Criteria: Natera Variant Classification Schema (03/2026). Collection method: clinical testing. Allele origin: germline.
Comment: The c.8812del variant in SACS is a frameshift variant predicted to shift the reading frame beginning at codon 2938 and leads to a stop codon 15 codons downstream. This variant is expected to result in nonsense mediated decay, truncation, or a dysfunctional protein product. This variant is rare in the general population with a frequency below the threshold expected for the associated phenotype(s). Given the available evidence, this variant is classified as Likely Pathogenic.